The following is an entry in ClinVar:

NM_001039591.3(USP9X):c.4921A>G (p.Ile1641Val)

Gene: USP9X (ubiquitin specific peptidase 9 X-linked; plus strand). Cytogenetic location: Xp11.4.
Variant type: single nucleotide variant.
Coding change: c.4921A>G on transcript NM_001039591.3 (MANE Select); coding-DNA position 4921, A replaced by G.
Protein change: p.Ile1641Val; replaces isoleucine 1641 with valine.
Molecular consequence: missense variant.
Genome position (GRCh38, 1-based): chrX:41,205,399, A>G. VCF-style: chrX-41205399-A-G. GRCh37 (hg19) VCF-style: chrX-41064652-A-G.
Other names: c.4921A>G, p.Ile1641Val (NM_001039590.3); c.4936A>G, p.Ile1646Val (NM_001410748.1, NM_001410749.1); short protein forms I1641V, I1646V.
Identifiers: ClinVar variation 2729276 (VCV002729276.3), dbSNP rs2519336058, ClinGen allele CA412781521.

ClinVar aggregate classification (germline): Uncertain significance (1 of 4 stars; one submission).

Submission:

Labcorp Genetics (formerly Invitae), Labcorp
Classification: Uncertain significance. Last evaluated: 2023-06-25. Review status: criteria provided, single submitter. Criteria: Invitae Variant Classification Sherloc (09022015). Collection method: clinical testing. Allele origin: germline.
Comment: This sequence change replaces isoleucine, which is neutral and non-polar, with valine, which is neutral and non-polar, at codon 1641 of the USP9X protein (p.Ile1641Val). This variant is not present in population databases (gnomAD no frequency). This variant has not been reported in the literature in individuals affected with USP9X-related conditions. An algorithm developed to predict the effect of missense changes on protein structure and function (PolyPhen-2) suggests that this variant is likely to be disruptive. In summary, the available evidence is currently insufficient to determine the role of this variant in disease. Therefore, it has been classified as a Variant of Uncertain Significance.